The following is an entry in ClinVar:

ClinVar aggregate classification (germline): Uncertain significance (1 of 4 stars; one submission).

Conditions:
Long QT syndrome (LQTS). Identifiers: MedGen C0023976, MeSH D008133, MONDO:0002442. Disease mechanism: loss of function. Inheritance: Various modes of inheritance.

Submission:

Labcorp Genetics (formerly Invitae), Labcorp
Classification: Uncertain significance for Long QT syndrome. Last evaluated: 2025-01-31. Review status: criteria provided, single submitter. Criteria: Invitae Variant Classification Sherloc (09022015). Collection method: clinical testing. Allele origin: germline.
Comment: This sequence change replaces isoleucine, which is neutral and non-polar, with valine, which is neutral and non-polar, at codon 173 of the KCNJ5 protein (p.Ile173Val). This variant is not present in population databases (gnomAD no frequency). This variant has not been reported in the literature in individuals affected with KCNJ5-related conditions. Invitae Evidence Modeling of protein sequence and biophysical properties (such as structural, functional, and spatial information, amino acid conservation, physicochemical variation, residue mobility, and thermodynamic stability) indicates that this missense variant is not expected to disrupt KCNJ5 protein function with a negative predictive value of 80%. In summary, the available evidence is currently insufficient to determine the role of this variant in disease. Therefore, it has been classified as a Variant of Uncertain Significance.

NM_000890.5(KCNJ5):c.517A>G (p.Ile173Val)

Gene: KCNJ5 (potassium inwardly rectifying channel subfamily J member 5; plus strand). Cytogenetic location: 11q24.3.
Variant type: single nucleotide variant.
Coding change: c.517A>G on transcript NM_000890.5 (MANE Select); coding-DNA position 517, A replaced by G.
Protein change: p.Ile173Val; replaces isoleucine 173 with valine.
Molecular consequence: missense variant.
Genome position (GRCh38, 1-based): chr11:128,911,790, A>G. VCF-style: chr11-128911790-A-G. GRCh37 (hg19) VCF-style: chr11-128781685-A-G.
Other names: c.517A>G, p.Ile173Val (NM_001354169.2); short protein forms I173V.
Identifiers: ClinVar variation 4797832 (VCV004797832.1).
Genomic context (GRCh38, chr11:128,911,790, plus strand): 5'-GGCTTCCGAGTCATCACAGAGAAGTGTCCAGAGGGGATTATACTCCTCTTGGTCCAGGCC[A>G]TCCTGGGCTCCATCGTCAATGCCTTCATGGTGGGGTGCATGTTTGTCAAGATCAGCCAGC-3'
Protein context (NP_000881.3, residues 163-183): EGIILLLVQA[Ile173Val]LGSIVNAFMV